The following is an entry in ClinVar:

ClinVar aggregate classification (germline): Uncertain significance (1 of 4 stars; one submission).

Submission:

GeneDx
Classification: Uncertain significance. Last evaluated: 2023-04-13. Review status: criteria provided, single submitter. Criteria: GeneDx Variant Classification Process June 2021. Collection method: clinical testing. Allele origin: germline. Affected: yes.
Comment: Not observed at significant frequency in large population cohorts (gnomAD); In silico analysis supports that this missense variant has a deleterious effect on protein structure/function; In silico analysis supports that this missense variant has a deleterious effect on splicing; Has not been previously published as pathogenic or benign to our knowledge

NM_017635.5(KMT5B):c.626G>T (p.Gly209Val)

Gene: KMT5B (lysine methyltransferase 5B; minus strand). Cytogenetic location: 11q13.2.
Variant type: single nucleotide variant.
Coding change: c.626G>T on transcript NM_017635.5 (MANE Select); coding-DNA position 626, G replaced by T.
Protein change: p.Gly209Val; replaces glycine 209 with valine.
Molecular consequence: missense variant. On other transcripts: 5 prime UTR variant (1), non-coding transcript variant (3).
Genome position (GRCh38, 1-based): chr11:68,173,831, C>A on the plus strand (G>T on the coding strand, the complement: KMT5B is on the minus strand). VCF-style: chr11-68173831-C-A. GRCh37 (hg19) VCF-style: chr11-67941298-C-A.
Other names: c.110G>T, p.Gly37Val (NM_001300907.1, NM_001369424.1, NM_001369428.1 and 5 more transcripts); c.-42G>T (NM_001300908.2); c.557G>T, p.Gly186Val (NM_001300909.2); c.626G>T, p.Gly209Val (NM_001363566.2, NM_001369426.1, NM_001369427.1 and 1 more transcripts); c.413G>T, p.Gly138Val (NM_001369425.1); short protein forms G138V, G186V, G209V, G37V.
Identifiers: ClinVar variation 2662561 (VCV002662561.1), dbSNP rs2495347726, ClinGen allele CA381605570.